The following is an entry in ClinVar:

NM_000038.6(APC):c.2320_2323dup (p.Asn775fs)

Gene: APC (APC regulator of Wnt signaling pathway; plus strand). Cytogenetic location: 5q22.2.
Variant type: Duplication.
Coding change: c.2320_2323dup on transcript NM_000038.6 (MANE Select); coding-DNA positions 2320 to 2323, 4 bases duplicated (GACA; older notation c.2320_2323dupGACA).
Protein change: p.Asn775fs; shifts the reading frame from asparagine 775.
Molecular consequence: frameshift variant. On other transcripts: non-coding transcript variant (2).
Genome position (GRCh38, 1-based): chr5:112,837,914-112,837,917, GACA duplicated. VCF-style (leftmost placement, unchanged base first): chr5-112837913-T-TGACA. GRCh37 (hg19) VCF-style: chr5-112173610-T-TGACA.
Other names: c.1471_1474dup, p.Asn492fs (NM_001407470.1, NM_001354906.2); c.1168_1171dup, p.Asn391fs (NM_001407471.1, NM_001407472.1); c.2320_2323dupGACA (NM_000038.5); c.2320_2323dup, p.Asn775fs (NM_001127510.3, NM_001354895.2, NM_001407450.1); c.2266_2269dup, p.Asn757fs (NM_001127511.3); c.2374_2377dup, p.Asn793fs (NM_001354896.2, NM_001407447.1, NM_001407448.1 and 1 more transcripts); c.2350_2353dup, p.Asn785fs (NM_001354897.2); c.2245_2248dup, p.Asn750fs (NM_001354898.2); and 12 more; short protein forms N391fs, N492fs, N615fs, N646fs, N649fs, N674fs, N684fs, N692fs.
Identifiers: ClinVar variation 2583994 (VCV002583994.3), dbSNP rs2533411982, ClinGen allele CA2582341450.

ClinVar aggregate classification (germline): Pathogenic. Review status: criteria provided, multiple submitters, no conflicts (2 of 4 stars). 2 submissions from 2 submitters: Pathogenic (2). Last evaluated 2025-07-07.

Conditions:
Familial adenomatous polyposis 1 (FAP1). Also called: FAMILIAL ADENOMATOUS POLYPOSIS 1, ATTENUATED; POLYPOSIS, ADENOMATOUS INTESTINAL. Identifiers: MedGen C2713442, MONDO:0021056, OMIM 175100. Disease mechanism: loss of function.
Hereditary cancer-predisposing syndrome. Also called: Hereditary neoplastic syndrome; Tumor predisposition; Hereditary Cancer Syndrome; Neoplastic Syndromes, Hereditary. Identifiers: Orphanet 140162, MedGen C0027672, MeSH D009386, MONDO:0015356.

Submissions (2):

Ambry Genetics
Classification: Pathogenic for Hereditary cancer-predisposing syndrome. Last evaluated: 2025-07-07. Review status: criteria provided, single submitter. Criteria: Ambry Variant Classification Scheme 2023. Collection method: clinical testing. Allele origin: germline.
Comment: The c.2320_2323dupGACA pathogenic mutation, located in coding exon 15 of the APC gene, results from a duplication of GACA at nucleotide position 2320, causing a translational frameshift with a predicted alternate stop codon (p.N775Rfs*14). This alteration occurs at the 3' terminus of theAPC gene, is not expected to trigger nonsense-mediated mRNA decay, and impacts the last 76% of the protein. However, premature stop codons are typically deleterious in nature and a significant portion of the protein is affected (Ambry internal data). This variant was reported in individual(s) with features consistent with APC-related familial adenomatous polyposis (Ambry internal data). This variant is considered to be rare based on population cohorts in the Genome Aggregation Database (gnomAD). Based on the supporting evidence, this variant is interpreted as a disease-causing mutation.

Myriad Genetics, Inc.
Classification: Pathogenic for Familial adenomatous polyposis 1. Last evaluated: 2023-05-04. Review status: criteria provided, single submitter. Criteria: Myriad Autosomal Dominant, Autosomal Recessive and X-Linked Classification Criteria (2023). Collection method: clinical testing. Allele origin: unknown.
Comment: This variant is considered pathogenic. This variant creates a frameshift predicted to result in premature protein truncation.